The following is an entry in ClinVar:

NM_152296.5(ATP1A3):c.2934G>A (p.Trp978Ter)

Gene: ATP1A3 (ATPase Na+/K+ transporting subunit alpha 3; minus strand). Cytogenetic location: 19q13.2.
Variant type: single nucleotide variant.
Coding change: c.2934G>A on transcript NM_152296.5 (MANE Select); coding-DNA position 2934, G replaced by A.
Protein change: p.Trp978Ter; replaces tryptophan 978 with a stop codon.
Molecular consequence: nonsense.
Genome position (GRCh38, 1-based): chr19:41,967,328, C>T on the plus strand (G>A on the coding strand, the complement: ATP1A3 is on the minus strand). VCF-style: chr19-41967328-C-T. GRCh37 (hg19) VCF-style: chr19-42471480-C-T.
Other names: c.2967G>A, p.Trp989Ter (NM_001256213.2); c.2973G>A, p.Trp991Ter (NM_001256214.2); short protein forms W978*, W989*, W991*.
Identifiers: ClinVar variation 3253235 (VCV003253235.1), dbSNP rs2514023774.

ClinVar aggregate classification (germline): Uncertain significance (1 of 4 stars; one submission).

Allele frequency attached by ClinVar (database versions not stated): gnomAD exomes below 0.00001.
gnomAD v4.1: 1 of 1,609,178 alleles (0.000062%); highest among the groups gnomAD compares: Non-Finnish European, 0.000085%; no homozygotes.

Submission:

GeneDx
Classification: Uncertain significance. Last evaluated: 2023-06-14. Review status: criteria provided, single submitter. Criteria: GeneDx Variant Classification Process June 2021. Collection method: clinical testing. Allele origin: germline. Affected: yes.
Comment: Not observed at significant frequency in large population cohorts (gnomAD); Nonsense variant predicted to result in protein truncation or nonsense mediated decay in a gene or region of a gene for which loss of function is not a well-established mechanism of disease; Has not been previously published as pathogenic or benign to our knowledge